The following is an entry in ClinVar:

NM_017946.4(FKBP14):c.525G>T (p.Val175=)

Genes: FKBP14 (FKBP prolyl isomerase 14; minus strand), FKBP14-AS1 (FKBP14 antisense RNA 1; plus strand). Cytogenetic location: 7p14.3.
Variant type: single nucleotide variant.
Coding change: c.525G>T on transcript NM_017946.4 (MANE Select); coding-DNA position 525, G replaced by T.
Protein change: p.Val175=; no amino-acid change (valine 175 retained).
Molecular consequence: synonymous variant. On other transcripts: non-coding transcript variant (2).
Genome position (GRCh38, 1-based): chr7:30,014,846, C>A on the plus strand (G>T on the coding strand, the complement: FKBP14 is on the minus strand). VCF-style: chr7-30014846-C-A. GRCh37 (hg19) VCF-style: chr7-30054462-C-A.
Other names: p.Val175=.
Identifiers: ClinVar variation 681733 (VCV000681733.20), dbSNP rs747381671, ClinGen allele CA4203383.

ClinVar aggregate classification (germline): Conflicting classifications of pathogenicity. Review status: criteria provided, conflicting classifications (1 of 4 stars). 7 submissions from 7 submitters: Uncertain significance (1); Likely benign (6). Last evaluated 2026-02-01.

Conditions:
Cardiovascular phenotype. Identifiers: MedGen CN230736.
Ehlers-Danlos syndrome, kyphoscoliotic type, 2. Also called: Ehlers-Danlos syndrome with progressive kyphoscoliosis, myopathy, and hearing loss; FKBP14-Kyphoscoliotic Ehlers-Danlos Syndrome; Ehlers-Danlos syndrome, kyphoscoliotic and deafness type. Identifiers: Orphanet 300179, MedGen C3281160, MONDO:0013800, OMIM 614557.
Ehlers-Danlos syndrome (EDS). Identifiers: Orphanet 98249, MedGen C0013720, MONDO:0020066.

Allele frequency attached by ClinVar (database versions not stated): ExAC 0.00003; gnomAD exomes 0.00010 and 0.00021; TOPMed 0.00012; gnomAD 0.00014.
gnomAD v4.1: 323 of 1,604,452 alleles (0.02%); highest among the groups gnomAD compares: Non-Finnish European, 0.026%; no homozygotes.

Submissions (7):

Labcorp Genetics (formerly Invitae), Labcorp
Classification: Likely benign for Ehlers-Danlos syndrome, kyphoscoliotic type, 2. Last evaluated: 2026-02-01. Review status: criteria provided, single submitter. Criteria: Invitae Variant Classification Sherloc (09022015). Collection method: clinical testing. Allele origin: germline.

Mayo Clinic Laboratories, Mayo Clinic
Classification: Likely benign. Last evaluated: 2025-10-07. Review status: criteria provided, single submitter. Criteria: ACMG Guidelines, 2015. Collection method: clinical testing. Allele origin: germline. Observed: 2 variant alleles.
Comment: BP4, BP7

Women's Health and Genetics/Laboratory Corporation of America, LabCorp
Classification: Likely benign. Last evaluated: 2025-03-17. Review status: criteria provided, single submitter. Criteria: LabCorp Variant Classification Summary - May 2015. Collection method: clinical testing. Allele origin: germline.

Blueprint Genetics
Classification: Likely benign. Last evaluated: 2024-10-03. Review status: criteria provided, single submitter. Criteria: ACMG Guidelines, 2015. Collection method: clinical testing. Allele origin: germline.

Ambry Genetics
Classification: Likely benign for Cardiovascular phenotype. Last evaluated: 2021-02-18. Review status: criteria provided, single submitter. Criteria: Ambry Variant Classification Scheme 2023. Collection method: clinical testing. Allele origin: germline.

Genome Diagnostics Laboratory, The Hospital for Sick Children
Classification: Uncertain significance for Ehlers-Danlos syndrome. Last evaluated: 2020-01-01. Review status: criteria provided, single submitter. Criteria: ACMG Guidelines, 2015. Collection method: clinical testing. Allele origin: germline.

GeneDx
Classification: Likely benign. Last evaluated: 2018-04-10. Review status: criteria provided, single submitter. Criteria: GeneDx Variant Classification (06012015). Collection method: clinical testing. Allele origin: germline. Affected: yes.
Comment: This variant is considered likely benign or benign based on one or more of the following criteria: it is a conservative change, it occurs at a poorly conserved position in the protein, it is predicted to be benign by multiple in silico algorithms, and/or has population frequency not consistent with disease.